The following is an entry in ClinVar:

NM_000159.4(GCDH):c.1147C>T (p.Arg383Cys)

Gene: GCDH (glutaryl-CoA dehydrogenase; plus strand). Cytogenetic location: 19p13.13.
Variant type: single nucleotide variant.
Coding change: c.1147C>T on transcript NM_000159.4 (MANE Select); coding-DNA position 1147, C replaced by T.
Protein change: p.Arg383Cys; replaces arginine 383 with cysteine.
Molecular consequence: missense variant. On other transcripts: non-coding transcript variant (2).
Genome position (GRCh38, 1-based): chr19:12,897,767, C>T. VCF-style: chr19-12897767-C-T. GRCh37 (hg19) VCF-style: chr19-13008581-C-T.
Other names: R383S; c.1147C>T, p.Arg383Cys (NM_013976.5); c.1147C>T (NM_000159.3); short protein forms R383C.
Identifiers: ClinVar variation 188852 (VCV000188852.30), dbSNP rs150938052, ClinGen allele CA274040.

ClinVar aggregate classification (germline): Pathogenic/Likely pathogenic. Review status: criteria provided, multiple submitters, no conflicts (2 of 4 stars). 9 submissions from 9 submitters: Pathogenic (6); Likely pathogenic (1). 2 of the submissions do not count toward it. Last evaluated 2025-12-08.

Conditions:
Inborn genetic diseases. Identifiers: MedGen C0950123, MeSH D030342.
Glutaric aciduria, type 1. Also called: Glutaric acidemia type I; Glutaricacidemia Type 1; Glutaryl-CoA dehydrogenase deficiency; Glutaricaciduria, type I; Glutaric Acidemia Type 1; GA I. Identifiers: Orphanet 25, MedGen C0268595, MONDO:0009281, OMIM 231670.

Allele frequency attached by ClinVar (database versions not stated): ExAC 0.00002; gnomAD exomes 0.00002; TOPMed 0.00003; gnomAD 0.00007; ESP Exome Variant Server 0.00008.
gnomAD v4.1: 33 of 1,613,936 alleles (0.002%); highest among the groups gnomAD compares: African/African-American, 0.013%; no homozygotes.

Submissions (9):

Natera, Inc.
Classification: Pathogenic for Glutaric acidemia type 1. Last evaluated: 2025-12-08. Review status: criteria provided, single submitter. Criteria: Natera Variant Classification Schema (03/2026). Collection method: clinical testing. Allele origin: germline.
Comment: The c.1147C>T variant in GCDH is a missense variant predicted to cause substitution of arginine to cysteine at amino acid 383. This variant is rare in the general population with a frequency below the threshold expected for the associated phenotype(s). This variant has been observed in one or more individuals affected with the associated recessive disease, as either homozygous or compound heterozygous with a second variant (PMID: 33578440, 24332224). Computational prediction algorithms indicate this variant is likely to affect gene or protein function. Given the available evidence, this variant is classified as Pathogenic.

Labcorp Genetics (formerly Invitae), Labcorp
Classification: Pathogenic for Glutaric aciduria, type 1. Last evaluated: 2025-10-16. Review status: criteria provided, single submitter. Criteria: Invitae Variant Classification Sherloc (09022015). Collection method: clinical testing. Allele origin: germline.
Comment: This sequence change replaces arginine, which is basic and polar, with cysteine, which is neutral and slightly polar, at codon 383 of the GCDH protein (p.Arg383Cys). This variant is present in population databases (rs150938052, gnomAD 0.006%). This missense change has been observed in individual(s) with glutaric aciduria type I (PMID: 15505393, 28438223, 30298489). ClinVar contains an entry for this variant (Variation ID: 188852). Invitae Evidence Modeling of protein sequence and biophysical properties (such as structural, functional, and spatial information, amino acid conservation, physicochemical variation, residue mobility, and thermodynamic stability) indicates that this missense variant is expected to disrupt GCDH protein function with a positive predictive value of 80%. This variant disrupts the p.Arg383 amino acid residue in GCDH. Other variant(s) that disrupt this residue have been observed in individuals with GCDH-related conditions (PMID: 15505393, 30203563), which suggests that this may be a clinically significant amino acid residue. For these reasons, this variant has been classified as Pathogenic.

Dasa
Classification: Pathogenic. Last evaluated: 2025-02-03. Review status: criteria provided, single submitter. Criteria: DASA Assertion Criteria. Collection method: clinical testing. Allele origin: germline.
Comment: NM_000159.4(GCDH):c.1147C>T (p.Arg383Cys) is a missense variant that results in the substitution of arginine with cysteine. The affected residue or protein region has prior evidence supporting clinical relevance. This variant has been recurrently observed in affected individuals with related phenotype in a genotype context consistent with recessive disease (PMID: 15505393; PMID: 28438223; PMID: 30298489). Functional evidence supports a deleterious effect on the gene or gene product (PMID: 15505393; PMID: 28438223; PMID: 30298489). Multiple computational predictions support a deleterious effect on the gene or gene product. The variant is present at low frequency in population datasets. Based on the available data, this variant is classified as pathogenic.

3billion
Classification: Pathogenic for Glutaric aciduria, type 1. Last evaluated: 2024-10-09. Review status: criteria provided, single submitter. Criteria: ACMG Guidelines, 2015. Collection method: clinical testing. Allele origin: germline. Affected: yes.
Comment: The variant is observed at an extremely low frequency in the gnomAD v4.1.0 dataset (total allele frequency: 0.002%). Predicted Consequence/Location: Missense variant In silico tool predictions suggest damaging effect of the variant on gene or gene product [REVEL: 0.92 (>=0.6, sensitivity 0.68 and specificity 0.92); 3Cnet: 0.97 (>=0.6, sensitivity 0.72 and precision 0.9)]. The same nucleotide change resulting in the same amino acid change has been previously reported as pathogenic/likely pathogenic with strong evidence (ClinVar ID: VCV000188852 /PMID: 9711871).Different missense changes at the same codon (p.Arg383His, p.Arg383Ser) have been reported to be associated with GCDH related disorder (ClinVar ID: VCV000555739 /PMID: 30203563, 9711871 /3billion dataset). Therefore, this variant is classified as Pathogenic according to the recommendation of ACMG/AMP guideline.

Women's Health and Genetics/Laboratory Corporation of America, LabCorp
Classification: Pathogenic for Glutaric aciduria, type 1. Last evaluated: 2024-09-10. Review status: criteria provided, single submitter. Criteria: LabCorp Variant Classification Summary - May 2015. Collection method: clinical testing. Allele origin: germline.
Comment: Variant summary: GCDH c.1147C>T (p.Arg383Cys) results in a non-conservative amino acid change located in the Acyl-CoA dehydrogenase/oxidase, C-terminal of the encoded protein sequence. Five of five in-silico tools predict a damaging effect of the variant on protein function. The variant allele was found at a frequency of 1.6e-05 in 251458 control chromosomes. c.1147C>T has been reported in the literature in multiple individuals affected with Glutaric Acidemia Type 1 (example: Bijarnia_2008, Boy_2017, Chen_2018, Klavuz_2021). These data indicate that the variant is very likely to be associated with disease. A different variant affecting the same codon has been classified as pathogenic by our lab (c.1148G>A,p.Arg383His), supporting the critical relevance of codon 383 to GCDH protein function. The following publications have been ascertained in the context of this evaluation (PMID: 28438223, 30298489, 33578440, 18683078). ClinVar contains an entry for this variant (Variation ID: 188852). Based on the evidence outlined above, the variant was classified as pathogenic.

Ambry Genetics
Classification: Likely pathogenic for Inborn genetic diseases. Last evaluated: 2015-03-25. Review status: criteria provided, single submitter. Criteria: Ambry Variant Classification Scheme 2023. Collection method: clinical testing. Allele origin: germline.
Comment: The c.1147C>T (p.R383C) alteration is located in exon 11 (coding exon 10) of the GCDH gene. This alteration results from a C to T substitution at nucleotide position 1147, causing the arginine (R) at amino acid position 383 to be replaced by a cysteine (C). The heterozygous missense change is ultra rare in healthy individuals:_x000D_ Based on data from the NHLBI Exome Sequencing Project (ESP), the GCDH c.1147C>T alteration was observed in 1 among 13006 total alleles studied (0.01%). Allele frequency data for this nucleotide position are not currently available from the 1000 Genomes Project. This variant is reported in the SNPDatabase as rs150938052. The p.R383 amino acid is conserved throughout available vertebrates. The amino acid is located in a functionally important protein domain:_x000D_ The p.R383C amino acid is located in the acyl-coenzyme A oxidase domain (PLN02526 ). Based on the available evidence, this alteration is classified as likely pathogenic.

Juno Genomics, Hangzhou Juno Genomics, Inc
Classification: Pathogenic for Glutaric aciduria, type 1. Review status: criteria provided, single submitter. Criteria: ACMG Guidelines, 2015. Collection method: clinical testing. Allele origin: germline. Affected: yes.
Comment: Absent from controls (or at extremely low frequency if recessive) in Genome Aggregation Database, Exome Sequencing Project, 1000 Genomes Project, or Exome Aggregation Consortium.;Multiple lines of computational evidence support a deleterious effect on the gene or gene product (conservation, evolutionary, splicing impact, etc).;For recessive disorders, detected in trans with a pathogenic variant.;Patient's phenotype or family history is highly specific for a disease with a single genetic etiology.

Department of Biotechnology and Microbiology, Karnatak University Dharwad
Classification: Uncertain significance for Glutaric aciduria, type 1. Last evaluated: 2019-01-03. Review status: no assertion criteria provided. Collection method: research. Allele origin: germline. Inheritance: Autosomal recessive inheritance. Affected: yes. Observed: 1 variant allele, 1 homozygote. Not counted in ClinVar's aggregate classification.

Counsyl
Classification: Likely pathogenic for Glutaric aciduria, type 1. Last evaluated: 2014-06-29. Review status: no assertion criteria provided. Collection method: literature only. Allele origin: unknown. Inheritance: Autosomal recessive inheritance. Not counted in ClinVar's aggregate classification.

Literature cited by the submitters: PubMed 33578440 (cited by Natera, Inc. and Women's Health and Genetics/Laboratory Corporation of America, LabCorp); PubMed 24332224 (cited by Natera, Inc. and Counsyl); PubMed 15505393 (cited by 3 submitters); PubMed 28438223 (cited by 4 submitters); PubMed 30298489 (cited by 3 submitters); PubMed 30203563 (cited by Labcorp Genetics (formerly Invitae), Labcorp and 3billion); PubMed 9711871 (cited by 3 submitters); PubMed 18683078 (cited by Women's Health and Genetics/Laboratory Corporation of America, LabCorp and Counsyl); PubMed 20978942 (cited by Counsyl); PubMed 21176883 (cited by Counsyl); PubMed 19433437 (cited by Counsyl); PubMed 22728054 (cited by Counsyl).